The following is an entry in ClinVar:

NM_013266.4(CTNNA3):c.155C>T (p.Ser52Leu)

Gene: CTNNA3 (catenin alpha 3; minus strand). Cytogenetic location: 10q21.3.
Variant type: single nucleotide variant.
Coding change: c.155C>T on transcript NM_013266.4 (MANE Select); coding-DNA position 155, C replaced by T.
Protein change: p.Ser52Leu; replaces serine 52 with leucine.
Molecular consequence: missense variant.
Genome position (GRCh38, 1-based): chr10:67,606,994, G>A on the plus strand (C>T on the coding strand, the complement: CTNNA3 is on the minus strand). VCF-style: chr10-67606994-G-A. GRCh37 (hg19) VCF-style: chr10-69366752-G-A.
Other names: c.155C>T, p.Ser52Leu (NM_001127384.3); c.191C>T, p.Ser64Leu (NM_001291133.2); c.155C>T (NM_013266.2); short protein forms S52L, S64L.
Identifiers: ClinVar variation 474816 (VCV000474816.16), dbSNP rs139105272, ClinGen allele CA5520691.

ClinVar aggregate classification (germline): Conflicting classifications of pathogenicity. Review status: criteria provided, conflicting classifications (1 of 4 stars). 5 submissions from 5 submitters: Uncertain significance (2); Likely benign (3). Last evaluated 2026-05-01.

Conditions:
Arrhythmogenic right ventricular dysplasia 13. Also called: Arrhythmogenic right ventricular dysplasia, familial, 13; ARRHYTHMOGENIC RIGHT VENTRICULAR CARDIOMYOPATHY 13. Identifiers: MedGen C3810138, MONDO:0000908, OMIM 615616.

Allele frequency attached by ClinVar (database versions not stated): ESP Exome Variant Server 0.00015; gnomAD exomes 0.00021; ExAC 0.00022; gnomAD 0.00023 and 0.00024; TOPMed 0.00024.
gnomAD v4.1: 356 of 1,613,982 alleles (0.022%); highest among the groups gnomAD compares: Non-Finnish European, 0.027%; 1 homozygote.

Submissions (5):

CeGaT Center for Human Genetics Tuebingen
Classification: Likely benign. Last evaluated: 2026-05-01. Review status: criteria provided, single submitter. Criteria: CeGaT Center For Human Genetics Tuebingen Variant Classification Criteria Version 2. Collection method: clinical testing. Allele origin: germline. Affected: yes. Observed: 1 variant allele.
Comment: CTNNA3: BP4, BS2

Labcorp Genetics (formerly Invitae), Labcorp
Classification: Uncertain significance for Arrhythmogenic right ventricular dysplasia 13. Last evaluated: 2025-12-24. Review status: criteria provided, single submitter. Criteria: Invitae Variant Classification Sherloc (09022015). Collection method: clinical testing. Allele origin: germline.
Comment: This sequence change replaces serine, which is neutral and polar, with leucine, which is neutral and non-polar, at codon 52 of the CTNNA3 protein (p.Ser52Leu). This variant is present in population databases (rs139105272, gnomAD 0.04%), and has an allele count higher than expected for a pathogenic variant. This variant has not been reported in the literature in individuals affected with CTNNA3-related conditions. ClinVar contains an entry for this variant (Variation ID: 474816). Invitae Evidence Modeling of protein sequence and biophysical properties (such as structural, functional, and spatial information, amino acid conservation, physicochemical variation, residue mobility, and thermodynamic stability) has been performed for this missense variant. However, the output from this modeling did not meet the statistical confidence thresholds required to predict the impact of this variant on CTNNA3 protein function. In summary, the available evidence is currently insufficient to determine the role of this variant in disease. Therefore, it has been classified as a Variant of Uncertain Significance.

Ambry Genetics
Classification: Uncertain significance. Last evaluated: 2025-11-08. Review status: criteria provided, single submitter. Criteria: Ambry Variant Classification Scheme 2023. Collection method: clinical testing. Allele origin: germline.

Women's Health and Genetics/Laboratory Corporation of America, LabCorp
Classification: Likely benign. Last evaluated: 2025-03-10. Review status: criteria provided, single submitter. Criteria: LabCorp Variant Classification Summary - May 2015. Collection method: clinical testing. Allele origin: germline.
Comment: Variant summary: CTNNA3 c.155C>T (p.Ser52Leu) results in a non-conservative amino acid change in the encoded protein sequence. Four of five in-silico tools predict a damaging effect of the variant on protein function. The variant allele was found at a frequency of 0.00021 in 251338 control chromosomes. The observed variant frequency is approximately 33.74 fold of the estimated maximal expected allele frequency for a pathogenic variant in CTNNA3 causing Arrhythmogenic Right Ventricular Dysplasia/Cardiomyopathy phenotype (6.3e-06). To our knowledge, no occurrence of c.155C>T in individuals affected with Arrhythmogenic Right Ventricular Dysplasia/Cardiomyopathy and no experimental evidence demonstrating its impact on protein function have been reported. ClinVar contains an entry for this variant (Variation ID: 474816). Based on the evidence outlined above, the variant was classified as likely benign.

Blueprint Genetics
Classification: Likely benign. Last evaluated: 2024-11-05. Review status: criteria provided, single submitter. Criteria: ACMG Guidelines, 2015. Collection method: clinical testing. Allele origin: germline.